The following is an entry in ClinVar:

ClinVar aggregate classification (germline): Pathogenic (1 of 4 stars; one submission).

Conditions:
Cardiovascular phenotype. Identifiers: MedGen CN230736.

Submission:

Ambry Genetics
Classification: Pathogenic for Cardiovascular phenotype. Last evaluated: 2025-12-18. Review status: criteria provided, single submitter. Criteria: Ambry Variant Classification Scheme 2023. Collection method: clinical testing. Allele origin: germline.
Comment: The c.1527_1530delTCTC pathogenic mutation, located in coding exon 13 of the DMD gene, results from a deletion of 4 nucleotides at nucleotide positions 1527 to 1530, causing a translational frameshift with a predicted alternate stop codon (p.H512Wfs*4). This variant is considered to be rare based on population cohorts in the Genome Aggregation Database (gnomAD). This alteration is expected to result in loss of function by premature protein truncation or nonsense-mediated mRNA decay. As such, this alteration is interpreted as a disease-causing mutation.

NM_004006.3(DMD):c.1527_1530del (p.His512fs)

Gene: DMD (dystrophin; minus strand). Cytogenetic location: Xp21.1.
Variant type: Microsatellite.
Coding change: c.1527_1530del on transcript NM_004006.3 (MANE Select); coding-DNA positions 1527 to 1530, 4 bases deleted (TCTC; older notation c.1527_1530delTCTC).
Protein change: p.His512fs; shifts the reading frame from histidine 512.
Molecular consequence: frameshift variant.
Genome position (GRCh38, 1-based): chrX:32,595,829-32,595,832, GAGA deleted on the plus strand (TCTC on the coding strand, the reverse complement: DMD is on the minus strand); deleting any 4 consecutive bases within chrX:32,595,829-32,595,834 gives the same sequence; the c. name uses the placement nearest the transcript's 3' end. VCF-style (leftmost placement, unchanged base first): chrX-32595828-TGAGA-T. GRCh37 (hg19) VCF-style: chrX-32613945-TGAGA-T.
Other names: c.1503_1506del, p.His504fs (NM_000109.4); c.1525_1526TC[1], p.His512Trpfs (NM_004006.2); c.1515_1518del, p.His508fs (NM_004009.3); c.1158_1161del, p.His389fs (NM_004010.3); c.1527_1530delTCTC (NM_004006.2); short protein forms H508fs, H504fs, H512fs, H389fs.
Identifiers: ClinVar variation 4826929 (VCV004826929.1).